The following is an entry in ClinVar:

NM_001440.4(EXTL3):c.957G>A (p.Leu319=)

Gene: EXTL3 (exostosin like glycosyltransferase 3; plus strand). Cytogenetic location: 8p21.1.
Variant type: single nucleotide variant.
Coding change: c.957G>A on transcript NM_001440.4 (MANE Select); coding-DNA position 957, G replaced by A.
Protein change: p.Leu319=; no amino-acid change (leucine 319 retained).
Molecular consequence: synonymous variant.
Genome position (GRCh38, 1-based): chr8:28,717,016, G>A. VCF-style: chr8-28717016-G-A. GRCh37 (hg19) VCF-style: chr8-28574533-G-A.
Identifiers: ClinVar variation 789763 (VCV000789763.35), dbSNP rs112390366, ClinGen allele CA4696105.

ClinVar aggregate classification (germline): Benign/Likely benign. Review status: criteria provided, multiple submitters, no conflicts (2 of 4 stars). 4 submissions from 4 submitters: Benign (2); Likely benign (2). Last evaluated 2025-12-20.

Allele frequency attached by ClinVar (database versions not stated): gnomAD exomes 0.00008 and 0.00029; ExAC 0.00031; 1000 Genomes Project 30x 0.00094; gnomAD 0.00104 and 0.00108; TOPMed 0.00105; 1000 Genomes Project 0.00120; ESP Exome Variant Server 0.00169.
gnomAD v4.1: 280 of 1,614,196 alleles (0.017%); highest among the groups gnomAD compares: African/African-American, 0.33%; no homozygotes.

Submissions (4):

Labcorp Genetics (formerly Invitae), Labcorp
Classification: Benign. Last evaluated: 2025-12-20. Review status: criteria provided, single submitter. Criteria: Invitae Variant Classification Sherloc (09022015). Collection method: clinical testing. Allele origin: germline.

Blueprint Genetics
Classification: Likely benign. Last evaluated: 2024-11-25. Review status: criteria provided, single submitter. Criteria: ACMG Guidelines, 2015. Collection method: clinical testing. Allele origin: germline.

CeGaT Center for Human Genetics Tuebingen
Classification: Likely benign. Last evaluated: 2022-03-01. Review status: criteria provided, single submitter. Criteria: CeGaT Center For Human Genetics Tuebingen Variant Classification Criteria Version 2. Collection method: clinical testing. Allele origin: germline. Affected: yes. Observed: 1 variant allele.
Comment: EXTL3: BP4, BP7

Breakthrough Genomics
Classification: Benign. Review status: criteria provided, single submitter. Criteria: ACMG Guidelines, 2015. Collection method: not provided. Allele origin: germline. Inheritance: Autosomal recessive inheritance. Affected: yes.